The following is an entry in ClinVar:

ClinVar aggregate classification (germline): Uncertain significance (1 of 4 stars; one submission).

Allele frequency attached by ClinVar (database versions not stated): gnomAD 0.00001; TOPMed 0.00001.

Submission:

Labcorp Genetics (formerly Invitae), Labcorp
Classification: Uncertain significance. Last evaluated: 2022-08-15. Review status: criteria provided, single submitter. Criteria: Invitae Variant Classification Sherloc (09022015). Collection method: clinical testing. Allele origin: germline.
Comment: This sequence change replaces threonine, which is neutral and polar, with methionine, which is neutral and non-polar, at codon 30 of the TPP1 protein (p.Thr30Met). This variant is not present in population databases (gnomAD no frequency). This variant has not been reported in the literature in individuals affected with TPP1-related conditions. Algorithms developed to predict the effect of missense changes on protein structure and function output the following: SIFT: "Tolerated"; PolyPhen-2: "Benign"; Align-GVGD: "Class C0". The methionine amino acid residue is found in multiple mammalian species, which suggests that this missense change does not adversely affect protein function. In summary, the available evidence is currently insufficient to determine the role of this variant in disease. Therefore, it has been classified as a Variant of Uncertain Significance.

NM_000391.4(TPP1):c.89C>T (p.Thr30Met)

Gene: TPP1 (tripeptidyl peptidase 1; minus strand). Cytogenetic location: 11p15.4.
Variant type: single nucleotide variant.
Coding change: c.89C>T on transcript NM_000391.4 (MANE Select); coding-DNA position 89, C replaced by T.
Protein change: p.Thr30Met; replaces threonine 30 with methionine.
Molecular consequence: missense variant.
Genome position (GRCh38, 1-based): chr11:6,619,196, G>A on the plus strand (C>T on the coding strand, the complement: TPP1 is on the minus strand). VCF-style: chr11-6619196-G-A. GRCh37 (hg19) VCF-style: chr11-6640427-G-A.
Other names: short protein forms T30M.
Identifiers: ClinVar variation 1999211 (VCV001999211.1), dbSNP rs1175465002, ClinGen allele CA379476930.